The following is an entry in ClinVar:

NM_000143.4(FH):c.1267_1268delinsG (p.Leu423fs)

Gene: FH (fumarate hydratase; minus strand). Cytogenetic location: 1q43.
Variant type: Indel.
Coding change: c.1267_1268delinsG on transcript NM_000143.4 (MANE Select); coding-DNA positions 1267 to 1268, CT replaced by G.
Protein change: p.Leu423fs; shifts the reading frame from leucine 423.
Molecular consequence: frameshift variant.
Genome position (GRCh38, 1-based): chr1:241,500,559-241,500,560, AG replaced by C on the plus strand (CT replaced by G on the coding strand, the reverse complement: FH is on the minus strand). VCF-style: chr1-241500559-AG-C. GRCh37 (hg19) VCF-style: chr1-241663859-AG-C.
Other names: short protein forms L423fs.
Identifiers: ClinVar variation 2082900 (VCV002082900.4), dbSNP rs2527313129, ClinGen allele CA2580063460.

ClinVar aggregate classification (germline): Pathogenic (1 of 4 stars; one submission).

Submission:

Labcorp Genetics (formerly Invitae), Labcorp
Classification: Pathogenic. Last evaluated: 2022-01-14. Review status: criteria provided, single submitter. Criteria: Invitae Variant Classification Sherloc (09022015). Collection method: clinical testing. Allele origin: germline.
Comment: This variant disrupts a region of the FH protein in which other variant(s) (p.Trp500*) have been determined to be pathogenic (PMID: 21398687; Invitae). This suggests that this is a clinically significant region of the protein, and that variants that disrupt it are likely to be disease-causing. For these reasons, this variant has been classified as Pathogenic. This variant has not been reported in the literature in individuals affected with FH-related conditions. This sequence change creates a premature translational stop signal (p.Leu423Glyfs*26) in the FH gene. While this is not anticipated to result in nonsense mediated decay, it is expected to disrupt the last 88 amino acid(s) of the FH protein. This variant is not present in population databases (gnomAD no frequency).

Literature cited by the submitters: PubMed 21398687.